The following is an entry in ClinVar:

NM_015338.6(ASXL1):c.1690A>G (p.Lys564Glu)

Gene: ASXL1 (ASXL transcriptional regulator 1; plus strand). Cytogenetic location: 20q11.21.
Variant type: single nucleotide variant.
Coding change: c.1690A>G on transcript NM_015338.6 (MANE Select); coding-DNA position 1690, A replaced by G.
Protein change: p.Lys564Glu; replaces lysine 564 with glutamic acid.
Molecular consequence: missense variant.
Genome position (GRCh38, 1-based): chr20:32,433,888, A>G. VCF-style: chr20-32433888-A-G. GRCh37 (hg19) VCF-style: chr20-31021691-A-G.
Other names: c.1507A>G, p.Lys503Glu (NM_001363734.1); short protein forms K564E, K503E.
Identifiers: ClinVar variation 3792572 (VCV003792572.1).
Genomic context (GRCh38, chr20:32,433,888, plus strand): 5'-GATCGTCAGTCCTTTCGTAACACAATTGAAAGTGTTCACACCGAAAAGCCACAGCCCACT[A>G]AAGAGGAGCCCAAAGTCCCGCCCATCCGGGTAGGAGACTGTTTGATTCCTGGCTGCCCTG-3'
Protein context (NP_056153.2, residues 554-574): SVHTEKPQPT[Lys564Glu]EEPKVPPIRI

ClinVar aggregate classification (germline): Uncertain significance (1 of 4 stars; one submission).

Conditions:
Inborn genetic diseases. Identifiers: MedGen C0950123, MeSH D030342.

gnomAD v4.1: 4 of 1,613,536 alleles (0.00025%); highest among the groups gnomAD compares: Non-Finnish European, 0.00034%; no homozygotes.

Submission:

Ambry Genetics
Classification: Uncertain significance for Inborn genetic diseases. Last evaluated: 2025-01-20. Review status: criteria provided, single submitter. Criteria: Ambry Variant Classification Scheme 2023. Collection method: clinical testing. Allele origin: germline.
Comment: The p.K564E variant (also known as c.1690A>G), located in coding exon 12 of the ASXL1 gene, results from an A to G substitution at nucleotide position 1690. The lysine at codon 564 is replaced by glutamic acid, an amino acid with similar properties. This amino acid position is conserved. In addition, this alteration is predicted to be tolerated by in silico analysis. Based on the available evidence, the clinical significance of this variant remains unclear.